The following is an entry in ClinVar:

NM_152424.4(AMER1):c.1591C>T (p.Arg531Ter)

Gene: AMER1 (APC membrane recruitment protein 1; minus strand). Cytogenetic location: Xq11.2.
Variant type: single nucleotide variant.
Coding change: c.1591C>T on transcript NM_152424.4 (MANE Select); coding-DNA position 1591, C replaced by T.
Protein change: p.Arg531Ter; replaces arginine 531 with a stop codon.
Molecular consequence: nonsense.
Genome position (GRCh38, 1-based): chrX:64,191,696, G>A on the plus strand (C>T on the coding strand, the complement: AMER1 is on the minus strand). VCF-style: chrX-64191696-G-A. GRCh37 (hg19) VCF-style: chrX-63411576-G-A.
Other names: short protein forms R531*.
Identifiers: ClinVar variation 4888233 (VCV004888233.1).
Genomic context (GRCh38, chrX:64,191,696, plus strand): 5'-GTGGCCGGGAGGACAAAAAGGGCTCAAAGTTTAAGAAGGGGTCAAACATCTCAGAGCTTC[G>A]ACCATGGAGGTCATAAAGGCAGTCATCTCCAGGTGGAGAGTTCTCAAGGCTGTCATCTGG-3'

ClinVar aggregate classification (germline): Likely pathogenic (1 of 4 stars; one submission).

Conditions:
Osteopathia striata with cranial sclerosis (OSCS). Also called: HYPEROSTOSIS GENERALISATA WITH STRIATIONS. Identifiers: Orphanet 2780, MedGen C0432268, MONDO:0010310, OMIM 300373.

gnomAD v4.1: 1 of 1,211,737 alleles (0.000083%); highest among the groups gnomAD compares: African/African-American, 0.0017%; no homozygotes.

Submission:

Genelabs Medical  (pvt) Ltd
Classification: Likely pathogenic for Osteopathia striata with cranial sclerosis. Last evaluated: 2026-08-03. Review status: criteria provided, single submitter. Criteria: ACMG Guidelines, 2015. Collection method: clinical testing. Allele origin: germline. Inheritance: X-linked dominant inheritance. Affected: yes. Observed: 1 hemizygote.
Comment: The stop-gained variant NM_152424.4 (AMER1):c.1591C>T (p.Arg531Ter) is observed in 1 out of 57,820 alleles (0.001%) in individuals of African/African American ancestry in gnomAD. It is predicted to cause loss of normal protein function through protein truncation. There are two downstream pathogenic loss-of-function variants, with the furthest located 70 residues downstream of this variant, indicating that this region is critical to protein function. The p.Arg531Ter variant represents a loss-of-function change in the AMER1 gene, which is known to be intolerant to such variants, as evidenced by the presence of the pathogenic variant NP_689637.3:p.F60Wfs*11 and 21 other reported pathogenic loss-of-function variants. For these reasons, this variant has been classified as likely pathogenic. (PVS1_Strong, PM2_Supporting)